The following is an entry in ClinVar:

NM_201384.3(PLEC):c.5460C>T (p.Ala1820=)

Gene: PLEC (plectin; minus strand). Cytogenetic location: 8q24.3.
Variant type: single nucleotide variant.
Coding change: c.5460C>T on transcript NM_201384.3 (MANE Select); coding-DNA position 5460, C replaced by T.
Protein change: p.Ala1820=; no amino-acid change (alanine 1820 retained).
Molecular consequence: synonymous variant.
Genome position (GRCh38, 1-based): chr8:143,924,469, G>A on the plus strand (C>T on the coding strand, the complement: PLEC is on the minus strand). VCF-style: chr8-143924469-G-A. GRCh37 (hg19) VCF-style: chr8-144998637-G-A.
Other names: p.Ala1806=; c.5541C>T, p.Ala1847= (NM_000445.5); c.5418C>T, p.Ala1806= (NM_201378.4); c.5394C>T, p.Ala1798= (NM_201379.3); c.5871C>T, p.Ala1957= (NM_201380.4); c.5364C>T, p.Ala1788= (NM_201381.3); c.5460C>T, p.Ala1820= (NM_201382.4); c.5472C>T, p.Ala1824= (NM_201383.3).
Identifiers: ClinVar variation 384737 (VCV000384737.19), dbSNP rs782259899, ClinGen allele CA4926359.

ClinVar aggregate classification (germline): Likely benign. Review status: criteria provided, multiple submitters, no conflicts (2 of 4 stars). 7 submissions from 7 submitters: Likely benign (6). 1 of the submissions does not count toward it. Last evaluated 2026-01-26.

Conditions:
Autosomal recessive limb-girdle muscular dystrophy type 2Q (LGMDR17). Also called: MUSCULAR DYSTROPHY, LIMB-GIRDLE, AUTOSOMAL RECESSIVE 17. Identifiers: Orphanet 254361, MedGen C3150989, MONDO:0013390, OMIM 613723.
Epidermolysis bullosa simplex 5C, with pyloric atresia (EBS5C). Also called: PLEC1-Related Epidermolysis Bullosa with Pyloric Atresia; PLEC-Related Epidermolysis Bullosa with Pyloric Atresia; Epidermolysis bullosa simplex with pyloric atresia. Identifiers: Orphanet 158684, MedGen C2677349, MONDO:0012807, OMIM 612138.
Epidermolysis bullosa simplex with nail dystrophy (EBS5D). Identifiers: MedGen C4225309, MONDO:0014661, OMIM 616487.
Epidermolysis bullosa simplex, Ogna type (EBS5A). Also called: Pidermolysis bullosa simplex 5A, Ogna type; EPIDERMOLYSIS BULLOSA SIMPLEX 5A, OGNA TYPE. Identifiers: Orphanet 79401, MedGen C0432317, MONDO:0007555, OMIM 131950.
Epidermolysis bullosa simplex 5B, with muscular dystrophy (EBS5B). Also called: Epidermolysis bullosa simplex with muscular dystrophy; EPIDERMOLYSIS BULLOSA SIMPLEX AND LIMB-GIRDLE MUSCULAR DYSTROPHY. Identifiers: Orphanet 257, MedGen C2931072, MONDO:0009181, OMIM 226670.
PLEC-related disorder. Also called: PLEC-related disorders; PLEC-related condition.

Allele frequency attached by ClinVar (database versions not stated): gnomAD 0.00020 and 0.00021; TOPMed 0.00031; 1000 Genomes Project 30x 0.00062.
gnomAD v4.1: 383 of 1,537,032 alleles (0.025%); highest among the groups gnomAD compares: Admixed American, 0.04%; no homozygotes.

Submissions (7):

Women's Health and Genetics/Laboratory Corporation of America, LabCorp
Classification: Likely benign. Last evaluated: 2026-01-26. Review status: criteria provided, single submitter. Criteria: LabCorp Variant Classification Summary - May 2015. Collection method: clinical testing. Allele origin: germline.

Labcorp Genetics (formerly Invitae), Labcorp
Classification: Likely benign for Autosomal recessive limb-girdle muscular dystrophy type 2Q; Epidermolysis bullosa simplex, Ogna type; Epidermolysis bullosa simplex with nail dystrophy; Epidermolysis bullosa simplex 5C, with pyloric atresia; Epidermolysis bullosa simplex 5B, with muscular dystrophy. Last evaluated: 2025-12-05. Review status: criteria provided, single submitter. Criteria: Invitae Variant Classification Sherloc (09022015). Collection method: clinical testing. Allele origin: germline.

Mayo Clinic Laboratories, Mayo Clinic
Classification: Likely benign. Last evaluated: 2025-07-18. Review status: criteria provided, single submitter. Criteria: ACMG Guidelines, 2015. Collection method: clinical testing. Allele origin: germline. Observed: 2 variant alleles.
Comment: BP4, BP7

Blueprint Genetics
Classification: Likely benign. Last evaluated: 2024-11-07. Review status: criteria provided, single submitter. Criteria: ACMG Guidelines, 2015. Collection method: clinical testing. Allele origin: germline.

GeneDx
Classification: Likely benign. Last evaluated: 2020-11-23. Review status: criteria provided, single submitter. Criteria: GeneDx Variant Classification Process June 2021. Collection method: clinical testing. Allele origin: germline. Affected: yes.

Athena Diagnostics
Classification: Likely benign. Last evaluated: 2018-04-09. Review status: criteria provided, single submitter. Criteria: Athena Diagnostics Criteria. Collection method: clinical testing. Allele origin: germline.

PreventionGenetics, part of Exact Sciences
Classification: Likely benign for PLEC-related condition. Last evaluated: 2021-02-09. Review status: no assertion criteria provided. Collection method: clinical testing. Allele origin: germline. Not counted in ClinVar's aggregate classification.
Comment: This variant is classified as likely benign based on ACMG/AMP sequence variant interpretation guidelines (Richards et al. 2015 PMID: 25741868, with internal and published modifications).